The following is an entry in ClinVar:

NM_153218.4(LACC1):c.359A>C (p.Asp120Ala)

Gene: LACC1 (laccase domain multifunctional purine nucleosidase 1; plus strand). Cytogenetic location: 13q14.11.
Variant type: single nucleotide variant.
Coding change: c.359A>C on transcript NM_153218.4 (MANE Select); coding-DNA position 359, A replaced by C.
Protein change: p.Asp120Ala; replaces aspartic acid 120 with alanine.
Molecular consequence: missense variant. On other transcripts: intron variant (5).
Genome position (GRCh38, 1-based): chr13:43,881,344, A>C. VCF-style: chr13-43881344-A-C. GRCh37 (hg19) VCF-style: chr13-44455480-A-C.
Other names: c.359A>C, p.Asp120Ala (NM_001128303.2, NM_001350638.2, NM_001350639.2 and 4 more transcripts); c.-207+47A>C (NM_001350645.2, NM_001350644.2, NM_001350647.2 and 2 more transcripts); short protein forms D120A.
Identifiers: ClinVar variation 2643796 (VCV002643796.24), dbSNP rs758994966, ClinGen allele CA388234236.

ClinVar aggregate classification (germline): Uncertain significance (1 of 4 stars; one submission).

gnomAD v4.1: 2 of 1,613,864 alleles (0.00012%); highest among the groups gnomAD compares: African/African-American, 0.0013%; no homozygotes.

Submission:

CeGaT Center for Human Genetics Tuebingen
Classification: Uncertain significance. Last evaluated: 2022-10-01. Review status: criteria provided, single submitter. Criteria: CeGaT Center For Human Genetics Tuebingen Variant Classification Criteria Version 2. Collection method: clinical testing. Allele origin: germline. Affected: yes. Observed: 1 variant allele.
Comment: LACC1: PM2, BP4